The following is an entry in ClinVar:

NM_000057.4(BLM):c.1507A>T (p.Ser503Cys)

Gene: BLM (BLM RecQ like helicase; plus strand). Cytogenetic location: 15q26.1.
Variant type: single nucleotide variant.
Coding change: c.1507A>T on transcript NM_000057.4 (MANE Select); coding-DNA position 1507, A replaced by T.
Protein change: p.Ser503Cys; replaces serine 503 with cysteine.
Molecular consequence: missense variant.
Genome position (GRCh38, 1-based): chr15:90,760,880, A>T. VCF-style: chr15-90760880-A-T. GRCh37 (hg19) VCF-style: chr15-91304110-A-T.
Other names: c.1507A>T, p.Ser503Cys (NM_001287246.2, NM_001287247.2); c.382A>T, p.Ser128Cys (NM_001287248.2); short protein forms S128C, S503C.
Identifiers: ClinVar variation 3480887 (VCV003480887.1).

ClinVar aggregate classification (germline): Uncertain significance (1 of 4 stars; one submission).

Conditions:
Hereditary cancer-predisposing syndrome. Also called: Tumor predisposition; Neoplastic Syndromes, Hereditary; Hereditary Cancer Syndrome; Hereditary neoplastic syndrome. Identifiers: Orphanet 140162, MedGen C0027672, MeSH D009386, MONDO:0015356.

Submission:

Ambry Genetics
Classification: Uncertain significance for Hereditary cancer-predisposing syndrome. Last evaluated: 2024-10-25. Review status: criteria provided, single submitter. Criteria: Ambry Variant Classification Scheme 2023. Collection method: clinical testing. Allele origin: germline.
Comment: The p.S503C variant (also known as c.1507A>T), located in coding exon 6 of the BLM gene, results from an A to T substitution at nucleotide position 1507. The serine at codon 503 is replaced by cysteine, an amino acid with dissimilar properties. This amino acid position is conserved. In addition, this alteration is predicted to be tolerated by in silico analysis. Based on the available evidence, the clinical significance of this variant remains unclear.